The following is an entry in ClinVar:

ClinVar aggregate classification (germline): Benign/Likely benign. Review status: criteria provided, multiple submitters, no conflicts (2 of 4 stars). 2 submissions from 2 submitters: Benign (1); Likely benign (1). Last evaluated 2025-04-10.

Conditions:
Tuberous sclerosis 1 (TSC1). Identifiers: Orphanet 805, MedGen C1854465, MONDO:0008612, OMIM 191100.

Submissions (2):

Myriad Genetics, Inc.
Classification: Benign for Tuberous sclerosis 1. Last evaluated: 2025-04-10. Review status: criteria provided, single submitter. Criteria: Myriad Autosomal Dominant, Autosomal Recessive and X-Linked Classification Criteria (2023). Collection method: clinical testing. Allele origin: unknown.
Comment: This variant is considered benign. This variant is a silent/synonymous amino acid change and it is not expected to impact splicing.

Labcorp Genetics (formerly Invitae), Labcorp
Classification: Likely benign for Tuberous sclerosis 1. Last evaluated: 2020-12-24. Review status: criteria provided, single submitter. Criteria: Invitae Variant Classification Sherloc (09022015). Collection method: clinical testing. Allele origin: germline.

NM_000368.5(TSC1):c.1746T>G (p.Thr582=)

Gene: TSC1 (TSC complex subunit 1; minus strand). Cytogenetic location: 9q34.13.
Variant type: single nucleotide variant.
Coding change: c.1746T>G on transcript NM_000368.5 (MANE Select); coding-DNA position 1746, T replaced by G.
Protein change: p.Thr582=; no amino-acid change (threonine 582 retained).
Molecular consequence: synonymous variant.
Genome position (GRCh38, 1-based): chr9:132,905,832, A>C on the plus strand (T>G on the coding strand, the complement: TSC1 is on the minus strand). VCF-style: chr9-132905832-A-C. GRCh37 (hg19) VCF-style: chr9-135781219-A-C.
Other names: c.1743T>G, p.Thr581= (NM_001162426.2); c.1593T>G, p.Thr531= (NM_001162427.2); c.1383T>G, p.Thr461= (NM_001362177.2).
Identifiers: ClinVar variation 1665644 (VCV001665644.9), dbSNP rs2131827290, ClinGen allele CA467813324.